The following is an entry in ClinVar:

NM_033380.3(COL4A5):c.866G>A (p.Gly289Asp)

Gene: COL4A5 (collagen type IV alpha 5 chain; plus strand). Cytogenetic location: Xq22.3.
Variant type: single nucleotide variant.
Coding change: c.866G>A on transcript NM_033380.3 (MANE Select); coding-DNA position 866, G replaced by A.
Protein change: p.Gly289Asp; replaces glycine 289 with aspartic acid.
Molecular consequence: missense variant.
Genome position (GRCh38, 1-based): chrX:108,580,713, G>A. VCF-style: chrX-108580713-G-A. GRCh37 (hg19) VCF-style: chrX-107823943-G-A.
Other names: c.866G>A, p.Gly289Asp (NM_000495.5); short protein forms G289D.
Identifiers: ClinVar variation 1322136 (VCV001322136.12), dbSNP rs104886450, ClinGen allele CA413926301.

ClinVar aggregate classification (germline): Pathogenic/Likely pathogenic. Review status: criteria provided, multiple submitters, no conflicts (2 of 4 stars). 3 submissions from 3 submitters: Pathogenic (1); Likely pathogenic (2). Last evaluated 2022-03-02.

Conditions:
X-linked Alport syndrome (ATS1). Also called: COL4A5-Related Nephropathy; NEPHROPATHY AND DEAFNESS, X-LINKED. Identifiers: Orphanet 63, Orphanet 88917, MedGen C4746986, MONDO:0010520, OMIM 301050.

Submissions (3):

Institute of Human Genetics Munich, TUM University Hospital
Classification: Likely pathogenic for X-linked Alport syndrome. Last evaluated: 2022-03-02. Review status: criteria provided, single submitter. Criteria: Classification criteria August 2017. Collection method: clinical testing. Allele origin: germline. Inheritance: X-linked inheritance. Affected: yes. Observed: 1 variant allele.

Labcorp Genetics (formerly Invitae), Labcorp
Classification: Likely pathogenic. Last evaluated: 2021-01-15. Review status: criteria provided, single submitter. Criteria: Invitae Variant Classification Sherloc (09022015). Collection method: clinical testing. Allele origin: germline.
Comment: This sequence change replaces glycine with aspartic acid at codon 289 of the COL4A5 protein (p.Gly289Asp). The glycine residue is highly conserved and there is a moderate physicochemical difference between glycine and aspartic acid. This variant is not present in population databases (ExAC no frequency). This variant has been observed in individual(s) with clinical features of Alport syndrome (Invitae). Advanced modeling of protein sequence and biophysical properties (such as structural, functional, and spatial information, amino acid conservation, physicochemical variation, residue mobility, and thermodynamic stability) performed at Invitae indicates that this missense variant is expected to disrupt COL4A5 protein function. In summary, the currently available evidence indicates that the variant is pathogenic, but additional data are needed to prove that conclusively. Therefore, this variant has been classified as Likely Pathogenic. This variant disrupts the triple helix domain of COL4A5. Glycine residues within the Gly-Xaa-Yaa repeats of the triple helix domain are required for the structure and stability of fibrillar collagens (PMID: 7695699, 8218237, 19344236). In COL4A5, missense variants at these glycine residues are significantly enriched in individuals with disease (PMID: 23720012, 27627812) compared to the general population (ExAC).

Revvity Omics, Revvity
Classification: Pathogenic for X-linked Alport syndrome. Last evaluated: 2020-10-13. Review status: criteria provided, single submitter. Criteria: ACMG Guidelines, 2015. Collection method: clinical testing. Allele origin: germline.

Literature cited by the submitters: PubMed 7695699 (cited by Labcorp Genetics (formerly Invitae), Labcorp); PubMed 8218237 (cited by Labcorp Genetics (formerly Invitae), Labcorp); PubMed 19344236 (cited by Labcorp Genetics (formerly Invitae), Labcorp); PubMed 23720012 (cited by Labcorp Genetics (formerly Invitae), Labcorp); PubMed 27627812 (cited by Labcorp Genetics (formerly Invitae), Labcorp).